The following is an entry in ClinVar:

ClinVar aggregate classification (germline): Uncertain significance (1 of 4 stars; one submission).

gnomAD v4.1: 3 of 1,521,804 alleles (0.0002%); highest among the groups gnomAD compares: Admixed American, 0.006%; no homozygotes.

Submission:

Labcorp Genetics (formerly Invitae), Labcorp
Classification: Uncertain significance. Last evaluated: 2022-08-01. Review status: criteria provided, single submitter. Criteria: Invitae Variant Classification Sherloc (09022015). Collection method: clinical testing. Allele origin: germline.
Comment: In summary, the available evidence is currently insufficient to determine the role of this variant in disease. Therefore, it has been classified as a Variant of Uncertain Significance. Algorithms developed to predict the effect of missense changes on protein structure and function are either unavailable or do not agree on the potential impact of this missense change (SIFT: "Deleterious"; PolyPhen-2: "Possibly Damaging"; Align-GVGD: "Class C0"). This variant has not been reported in the literature in individuals affected with APC2-related conditions. The frequency data for this variant in the population databases is considered unreliable, as metrics indicate poor data quality at this position in the gnomAD database. This sequence change replaces arginine, which is basic and polar, with tryptophan, which is neutral and slightly polar, at codon 2170 of the APC2 protein (p.Arg2170Trp).

NM_005883.3(APC2):c.6508C>T (p.Arg2170Trp)

Gene: APC2 (APC regulator of Wnt signaling pathway 2; plus strand). Cytogenetic location: 19p13.3.
Variant type: single nucleotide variant.
Coding change: c.6508C>T on transcript NM_005883.3 (MANE Select); coding-DNA position 6508, C replaced by T.
Protein change: p.Arg2170Trp; replaces arginine 2170 with tryptophan.
Molecular consequence: missense variant.
Genome position (GRCh38, 1-based): chr19:1,469,809, C>T. VCF-style: chr19-1469809-C-T. GRCh37 (hg19) VCF-style: chr19-1469808-C-T.
Other names: c.6505C>T, p.Arg2169Trp (NM_001351273.1); short protein forms R2169W, R2170W.
Identifiers: ClinVar variation 1714706 (VCV001714706.5), dbSNP rs747088059, ClinGen allele CA403044050.